The following is an entry in ClinVar:

ClinVar aggregate classification (germline): Uncertain significance (1 of 4 stars; one submission).

Submission:

Labcorp Genetics (formerly Invitae), Labcorp
Classification: Uncertain significance. Last evaluated: 2022-02-01. Review status: criteria provided, single submitter. Criteria: Invitae Variant Classification Sherloc (09022015). Collection method: clinical testing. Allele origin: germline.
Comment: This sequence change replaces valine, which is neutral and non-polar, with methionine, which is neutral and non-polar, at codon 1282 of the ERCC6 protein (p.Val1282Met). This variant is not present in population databases (gnomAD no frequency). This variant has not been reported in the literature in individuals affected with ERCC6-related conditions. Algorithms developed to predict the effect of missense changes on protein structure and function are either unavailable or do not agree on the potential impact of this missense change (SIFT: "Deleterious"; PolyPhen-2: "Probably Damaging"; Align-GVGD: "Class C15"). In summary, the available evidence is currently insufficient to determine the role of this variant in disease. Therefore, it has been classified as a Variant of Uncertain Significance.

NM_000124.4(ERCC6):c.3844G>A (p.Val1282Met)

Gene: ERCC6 (ERCC excision repair 6, chromatin remodeling factor; minus strand). Cytogenetic location: 10q11.23.
Variant type: single nucleotide variant.
Coding change: c.3844G>A on transcript NM_000124.4 (MANE Select); coding-DNA position 3844, G replaced by A.
Protein change: p.Val1282Met; replaces valine 1282 with methionine.
Molecular consequence: missense variant.
Genome position (GRCh38, 1-based): chr10:49,461,491, C>T on the plus strand (G>A on the coding strand, the complement: ERCC6 is on the minus strand). VCF-style: chr10-49461491-C-T. GRCh37 (hg19) VCF-style: chr10-50669537-C-T.
Other names: c.3844G>A, p.Val1282Met (NM_001346440.2); short protein forms V1282M.
Identifiers: ClinVar variation 2087029 (VCV002087029.4), dbSNP rs2495949886, ClinGen allele CA376708505.
Genomic context (GRCh38, chr10:49,461,491, plus strand): 5'-GACGAGAGAGCCTCAGTGCTTTCAGGGCATCCTGGGCCACTCGGTTGGCTTCTGCCTCCA[C>T]CAGTACATAATCTGGGCTGGCTCCATCCATGATGGCATCGTGCTTCATGACACTGTGCAC-3'
Protein context (NP_000115.1, residues 1272-1292): MDGASPDYVL[Val1282Met]EAEANRVAQD